The following is an entry in ClinVar:

ClinVar aggregate classification (germline): Uncertain significance. Review status: criteria provided, multiple submitters, no conflicts (2 of 4 stars). 2 submissions from 2 submitters: Uncertain significance (2). Last evaluated 2026-07-07.

Conditions:
Atypical hemolytic-uremic syndrome with thrombomodulin anomaly. Also called: HEMOLYTIC UREMIC SYNDROME, ATYPICAL, SUSCEPTIBILITY TO, 6; AHUS, SUSCEPTIBILITY TO, 6. Identifiers: MedGen C2752036, MONDO:0013044, OMIM 612926. Disease mechanism: gain of function.

Submissions (2):

Medgenome Labs Ltd
Classification: Uncertain significance for Atypical hemolytic-uremic syndrome with thrombomodulin anomaly. Last evaluated: 2026-07-07. Review status: criteria provided, single submitter. Criteria: ACMG Guidelines, 2015. Collection method: clinical testing. Allele origin: germline. Affected: yes.

Labcorp Genetics (formerly Invitae), Labcorp
Classification: Uncertain significance. Last evaluated: 2024-11-03. Review status: criteria provided, single submitter. Criteria: Invitae Variant Classification Sherloc (09022015). Collection method: clinical testing. Allele origin: germline.
Comment: This sequence change replaces glycine, which is neutral and non-polar, with aspartic acid, which is acidic and polar, at codon 77 of the THBD protein (p.Gly77Asp). This variant is present in population databases (rs776622765, gnomAD 0.004%). This variant has not been reported in the literature in individuals affected with THBD-related conditions. Invitae Evidence Modeling of protein sequence and biophysical properties (such as structural, functional, and spatial information, amino acid conservation, physicochemical variation, residue mobility, and thermodynamic stability) indicates that this missense variant is not expected to disrupt THBD protein function with a negative predictive value of 80%. In summary, the available evidence is currently insufficient to determine the role of this variant in disease. Therefore, it has been classified as a Variant of Uncertain Significance.

NM_000361.3(THBD):c.230G>A (p.Gly77Asp)

Gene: THBD (thrombomodulin; minus strand). Cytogenetic location: 20p11.21.
Variant type: single nucleotide variant.
Coding change: c.230G>A on transcript NM_000361.3 (MANE Select); coding-DNA position 230, G replaced by A.
Protein change: p.Gly77Asp; replaces glycine 77 with aspartic acid.
Molecular consequence: missense variant.
Genome position (GRCh38, 1-based): chr20:23,049,275, C>T on the plus strand (G>A on the coding strand, the complement: THBD is on the minus strand). VCF-style: chr20-23049275-C-T. GRCh37 (hg19) VCF-style: chr20-23029912-C-T.
Other names: short protein forms G77D.
Identifiers: ClinVar variation 3611988 (VCV003611988.3).